The following is an entry in ClinVar:

NM_000336.3(SCNN1B):c.1257C>T (p.Asp419=)

Gene: SCNN1B (sodium channel epithelial 1 subunit beta; plus strand). Cytogenetic location: 16p12.2.
Variant type: single nucleotide variant.
Coding change: c.1257C>T on transcript NM_000336.3 (MANE Select); coding-DNA position 1257, C replaced by T.
Protein change: p.Asp419=; no amino-acid change (aspartic acid 419 retained).
Molecular consequence: synonymous variant.
Genome position (GRCh38, 1-based): chr16:23,375,842, C>T. VCF-style: chr16-23375842-C-T. GRCh37 (hg19) VCF-style: chr16-23387163-C-T.
Identifiers: ClinVar variation 318433 (VCV000318433.13), dbSNP rs2303155, ClinGen allele CA7960410.

ClinVar aggregate classification (germline): Benign/Likely benign. Review status: criteria provided, multiple submitters, no conflicts (2 of 4 stars). 5 submissions from 3 submitters: Benign (3); Likely benign (2). Last evaluated 2025-09-17.

Conditions:
Bronchiectasis with or without elevated sweat chloride 1 (BESC1). Also called: Cystic Fibrosis-Like Syndrome. Identifiers: Orphanet 60033, MedGen C2749757, MONDO:0008887, OMIM 211400.
Liddle syndrome 1 (LIDLS1). Also called: PSEUDOALDOSTERONISM. Identifiers: Orphanet 526, MedGen CN031472, MONDO:0020607, OMIM 177200.
Pseudohypoaldosteronism, type IB1, autosomal recessive. Also called: Pseudohypoaldosteronism, Type I, Autosomal Recessive; PHA I, AUTOSOMAL RECESSIVE; Pseudohypoaldosteronism, Type I, Recessive; Autosomal recessive pseudohypoaldosteronism type 1. Identifiers: Orphanet 171876, Orphanet 756, MedGen C5774176, MONDO:0009917, OMIM 264350.

Allele frequency attached by ClinVar (database versions not stated): gnomAD 0.00016; TOPMed 0.00020; gnomAD exomes 0.00044 and 0.00072; ExAC 0.00095; 1000 Genomes Project 30x 0.00219; 1000 Genomes Project 0.00260.
gnomAD v4.1: 682 of 1,611,144 alleles (0.042%); highest among the groups gnomAD compares: East Asian, 1.5%; 8 homozygotes.

Submissions (5):

Labcorp Genetics (formerly Invitae), Labcorp
Classification: Benign. Last evaluated: 2025-09-17. Review status: criteria provided, single submitter. Criteria: Invitae Variant Classification Sherloc (09022015). Collection method: clinical testing. Allele origin: germline.

Fulgent Genetics
Classification: Likely benign for Liddle syndrome 1; Bronchiectasis with or without elevated sweat chloride 1; Pseudohypoaldosteronism, type IB1, autosomal recessive. Last evaluated: 2021-11-11. Review status: criteria provided, single submitter. Criteria: ACMG Guidelines, 2015. Collection method: clinical testing. Allele origin: unknown.

Illumina Laboratory Services, Illumina
Classification: Benign for Liddle syndrome 1. Last evaluated: 2018-01-13. Review status: criteria provided, single submitter. Criteria: ICSL Variant Classification Criteria 13 December 2019. Collection method: clinical testing. Allele origin: germline.
Comment: This variant was observed in the ICSL laboratory as part of a predisposition screen in an ostensibly healthy population. It had not been previously curated by ICSL or reported in the Human Gene Mutation Database (HGMD: prior to June 1st, 2018), and was therefore a candidate for classification through an automated scoring system. Utilizing variant allele frequency, disease prevalence and penetrance estimates, and inheritance mode, an automated score was calculated to assess if this variant is too frequent to cause the disease. Based on the score and internal cut-off values, a variant classified as benign is not then subjected to further curation. The score for this variant resulted in a classification of benign for this disease.

Illumina Laboratory Services, Illumina
Classification: Likely benign for Pseudohypoaldosteronism, type IB1, autosomal recessive. Last evaluated: 2018-01-13. Review status: criteria provided, single submitter. Criteria: ICSL Variant Classification Criteria 13 December 2019. Collection method: clinical testing. Allele origin: germline.
Comment: This variant was observed in the ICSL laboratory as part of a predisposition screen in an ostensibly healthy population. It had not been previously curated by ICSL or reported in the Human Gene Mutation Database (HGMD: prior to June 1st, 2018), and was therefore a candidate for classification through an automated scoring system. Utilizing variant allele frequency, disease prevalence and penetrance estimates, and inheritance mode, an automated score was calculated to assess if this variant is too frequent to cause the disease. Based on the score and internal cut-off values, a variant classified as likely benign is not then subjected to further curation. The score for this variant resulted in a classification of likely benign for this disease.

Illumina Laboratory Services, Illumina
Classification: Benign for Bronchiectasis with or without elevated sweat chloride 1. Last evaluated: 2018-01-13. Review status: criteria provided, single submitter. Criteria: ICSL Variant Classification Criteria 13 December 2019. Collection method: clinical testing. Allele origin: germline.
Comment: the same text as in the submission from Illumina Laboratory Services, Illumina above.